The following is an entry in ClinVar:

NM_001363118.2(SLC52A2):c.1010C>T (p.Ala337Val)

Gene: SLC52A2 (solute carrier family 52 member 2; plus strand). Cytogenetic location: 8q24.3.
Variant type: single nucleotide variant.
Coding change: c.1010C>T on transcript NM_001363118.2 (MANE Select); coding-DNA position 1010, C replaced by T.
Protein change: p.Ala337Val; replaces alanine 337 with valine.
Molecular consequence: missense variant. On other transcripts: non-coding transcript variant (1).
Genome position (GRCh38, 1-based): chr8:144,360,598, C>T. VCF-style: chr8-144360598-C-T. GRCh37 (hg19) VCF-style: chr8-145584258-C-T.
Other names: c.1010C>T, p.Ala337Val (NM_001253815.2, NM_001253816.2, NM_001363120.2 and 2 more transcripts); c.518C>T, p.Ala173Val (NM_001363122.2); short protein forms A173V, A337V.
Identifiers: ClinVar variation 962246 (VCV000962246.3), dbSNP rs1818809777, ClinGen allele CA372628799.

ClinVar aggregate classification (germline): Uncertain significance (1 of 4 stars; one submission).

Conditions:
Brown-Vialetto-van Laere syndrome 2. Also called: SPINOCEREBELLAR ATAXIA WITH BLINDNESS AND DEAFNESS 2; Riboflavin transporter deficiency type 2. Identifiers: Orphanet 572543, Orphanet 97229, MedGen C3553538, MONDO:0013867, OMIM 614707.

Allele frequency attached by ClinVar (database versions not stated): gnomAD exomes below 0.00001.

Submission:

Labcorp Genetics (formerly Invitae), Labcorp
Classification: Uncertain significance for Brown-Vialetto-van Laere syndrome 2. Last evaluated: 2021-08-28. Review status: criteria provided, single submitter. Criteria: Invitae Variant Classification Sherloc (09022015). Collection method: clinical testing. Allele origin: germline.
Comment: This sequence change replaces alanine with valine at codon 337 of the SLC52A2 protein (p.Ala337Val). The alanine residue is moderately conserved and there is a small physicochemical difference between alanine and valine. This variant is not present in population databases (ExAC no frequency). This variant has not been reported in the literature in individuals affected with SLC52A2-related conditions. Algorithms developed to predict the effect of missense changes on protein structure and function output the following: SIFT: "Tolerated"; PolyPhen-2: "Benign"; Align-GVGD: "Class C0". The valine amino acid residue is found in multiple mammalian species, which suggests that this missense change does not adversely affect protein function. Algorithms developed to predict the effect of sequence changes on RNA splicing suggest that this variant may create or strengthen a splice site. In summary, the available evidence is currently insufficient to determine the role of this variant in disease. Therefore, it has been classified as a Variant of Uncertain Significance.